The following is an entry in ClinVar:

NM_003482.4(KMT2D):c.935C>A (p.Ala312Asp)

Gene: KMT2D (lysine methyltransferase 2D; minus strand). Cytogenetic location: 12q13.12.
Variant type: single nucleotide variant.
Coding change: c.935C>A on transcript NM_003482.4 (MANE Select); coding-DNA position 935, C replaced by A.
Protein change: p.Ala312Asp; replaces alanine 312 with aspartic acid.
Molecular consequence: missense variant.
Genome position (GRCh38, 1-based): chr12:49,053,226, G>T on the plus strand (C>A on the coding strand, the complement: KMT2D is on the minus strand). VCF-style: chr12-49053226-G-T. GRCh37 (hg19) VCF-style: chr12-49447009-G-T.
Other names: short protein forms A312D.
Identifiers: ClinVar variation 977455 (VCV000977455.11), dbSNP rs750484458, ClinGen allele CA6548629.
Genomic context (GRCh38, chr12:49,053,226, plus strand): 5'-ACACAGTTAGGGACAATAGGGCAGAATCAGGGTACACTCACCTTGCACTTCCAAGAGTGA[G>T]CAGGCAGTTCCTCCATGGGTGGTTTTAGGCAGAAAGTATGGTATCCTTTGTCACACGTCT-3'
Protein context (NP_003473.3, residues 302-322): CLKPPMEELP[Ala312Asp]HSWKCKACRV

ClinVar aggregate classification (germline): Conflicting classifications of pathogenicity. Review status: criteria provided, conflicting classifications (1 of 4 stars). 3 submissions from 3 submitters: Uncertain significance (2); Benign (1). Last evaluated 2026-05-28.

Conditions:
KMT2D-related disorder. Also called: KMT2D-Related Disorders.
Kabuki syndrome. Also called: Kabuki make-up syndrome; NIIKAWA-KUROKI SYNDROME. Identifiers: Orphanet 2322, MedGen C0796004, MONDO:0016512.
Kabuki syndrome 1 (KABUK1). Also called: KMT2D-Related Kabuki Syndrome. Identifiers: Orphanet 2322, MedGen CN030661, MONDO:0007843, OMIM 147920.

Allele frequency attached by ClinVar (database versions not stated): ExAC 0.00002; gnomAD exomes 0.00002.
gnomAD v4.1: 9 of 1,613,708 alleles (0.00056%); highest among the groups gnomAD compares: Admixed American, 0.013%; no homozygotes.

Submissions (3):

PreventionGenetics, part of Exact Sciences
Classification: Uncertain significance for KMT2D-related condition. Last evaluated: 2026-05-28. Review status: criteria provided, single submitter. Criteria: ACMG Guidelines, 2015. Collection method: clinical testing. Allele origin: germline.
Comment: The KMT2D c.935C>A variant is predicted to result in the amino acid substitution p.Ala312Asp. To our knowledge, this variant has not been reported in the literature. This variant is reported in 0.014% of alleles in individuals of Latino descent in gnomAD, which may be too common to be a primary cause of disease. Although we suspect that this variant may be benign, at this time, the clinical significance of this variant is uncertain due to the absence of conclusive functional and genetic evidence.

Labcorp Genetics (formerly Invitae), Labcorp
Classification: Benign for Kabuki syndrome. Last evaluated: 2024-09-24. Review status: criteria provided, single submitter. Criteria: Invitae Variant Classification Sherloc (09022015). Collection method: clinical testing. Allele origin: germline.

New York Genome Center
Classification: Uncertain significance for Kabuki syndrome 1. Last evaluated: 2020-01-09. Review status: criteria provided, single submitter. Criteria: NYGC Assertion Criteria 2020. Collection method: clinical testing. Allele origin: germline. Observed: 1 heterozygote. Study: CSER-NYCKidSeq.